The following is an entry in ClinVar:

NM_001171613.2(PREPL):c.1097T>A (p.Leu366Ter)

Gene: PREPL (prolyl endopeptidase like; minus strand). Cytogenetic location: 2p21.
Variant type: single nucleotide variant.
Coding change: c.1097T>A on transcript NM_001171613.2 (MANE Select); coding-DNA position 1097, T replaced by A.
Protein change: p.Leu366Ter; replaces leucine 366 with a stop codon.
Molecular consequence: nonsense.
Genome position (GRCh38, 1-based): chr2:44,329,102, A>T on the plus strand (T>A on the coding strand, the complement: PREPL is on the minus strand). VCF-style: chr2-44329102-A-T. GRCh37 (hg19) VCF-style: chr2-44556241-A-T.
Other names: c.1178T>A, p.Leu393Ter (NM_001042385.2); c.1166T>A, p.Leu389Ter (NM_001042386.2); c.1364T>A, p.Leu455Ter (NM_001171603.1, NM_001171606.2, NM_001374275.1 and 2 more transcripts); c.1097T>A, p.Leu366Ter (NM_001171617.1, NM_001374277.1); short protein forms L455*, L389*, L366*, L393*.
Identifiers: ClinVar variation 3660964 (VCV003660964.2).

ClinVar aggregate classification (germline): Pathogenic (1 of 4 stars; one submission).

Conditions:
Myasthenic syndrome, congenital, 22 (CMS22). Also called: PREPL DEFICIENCY. Identifiers: MedGen C4479088, MONDO:0044299, OMIM 616224.

gnomAD v4.1: 13 of 1,596,792 alleles (0.00081%); highest among the groups gnomAD compares: Non-Finnish European, 0.0011%; no homozygotes.

Submission:

Labcorp Genetics (formerly Invitae), Labcorp
Classification: Pathogenic for Myasthenic syndrome, congenital, 22. Last evaluated: 2024-07-30. Review status: criteria provided, single submitter. Criteria: Invitae Variant Classification Sherloc (09022015). Collection method: clinical testing. Allele origin: germline.
Comment: This sequence change creates a premature translational stop signal (p.Leu455*) in the PREPL gene. It is expected to result in an absent or disrupted protein product. Loss-of-function variants in PREPL are known to be pathogenic (PMID: 24610330, 28726805, 29913539). This variant is not present in population databases (gnomAD no frequency). This variant has not been reported in the literature in individuals affected with PREPL-related conditions. For these reasons, this variant has been classified as Pathogenic.

Literature cited by the submitters: PubMed 24610330; PubMed 28726805; PubMed 29913539.